The following is an entry in ClinVar:

ClinVar aggregate classification (germline): Conflicting classifications of pathogenicity. Review status: criteria provided, conflicting classifications (1 of 4 stars). 3 submissions from 2 submitters: Uncertain significance (1); Likely benign (2). Last evaluated 2024-08-08.

Conditions:
Pseudohypoaldosteronism, type IB1, autosomal recessive. Also called: Autosomal recessive pseudohypoaldosteronism type 1; PHA I, AUTOSOMAL RECESSIVE; Pseudohypoaldosteronism, Type I, Autosomal Recessive; Pseudohypoaldosteronism, Type I, Recessive. Identifiers: Orphanet 171876, Orphanet 756, MedGen C5774176, MONDO:0009917, OMIM 264350.
Liddle syndrome 2. Identifiers: MedGen C4748251, MONDO:0020854, OMIM 618114.

Allele frequency attached by ClinVar (database versions not stated): ExAC 0.00002; gnomAD 0.00004; TOPMed 0.00004; gnomAD exomes 0.00007 and 0.00015; ESP Exome Variant Server 0.00015; 1000 Genomes Project 30x 0.00016; 1000 Genomes Project 0.00020.
gnomAD v4.1: 237 of 1,614,178 alleles (0.015%); highest among the groups gnomAD compares: Non-Finnish European, 0.018%; no homozygotes.

Submissions (3):

Blueprint Genetics
Classification: Likely benign. Last evaluated: 2024-08-08. Review status: criteria provided, single submitter. Criteria: ACMG Guidelines, 2015. Collection method: clinical testing. Allele origin: germline.

Illumina Laboratory Services, Illumina
Classification: Uncertain significance for Pseudohypoaldosteronism, type IB1, autosomal recessive. Last evaluated: 2018-01-12. Review status: criteria provided, single submitter. Criteria: ICSL Variant Classification Criteria 13 December 2019. Collection method: clinical testing. Allele origin: germline.

Illumina Laboratory Services, Illumina
Classification: Likely benign for Liddle syndrome 2. Last evaluated: 2018-01-12. Review status: criteria provided, single submitter. Criteria: ICSL Variant Classification Criteria 13 December 2019. Collection method: clinical testing. Allele origin: germline.
Comment: This variant was observed in the ICSL laboratory as part of a predisposition screen in an ostensibly healthy population. It had not been previously curated by ICSL or reported in the Human Gene Mutation Database (HGMD: prior to June 1st, 2018), and was therefore a candidate for classification through an automated scoring system. Utilizing variant allele frequency, disease prevalence and penetrance estimates, and inheritance mode, an automated score was calculated to assess if this variant is too frequent to cause the disease. Based on the score and internal cut-off values, a variant classified as likely benign is not then subjected to further curation. The score for this variant resulted in a classification of likely benign for this disease.

NM_001039.4(SCNN1G):c.399G>A (p.Glu133=)

Gene: SCNN1G (sodium channel epithelial 1 subunit gamma; plus strand). Cytogenetic location: 16p12.2.
Variant type: single nucleotide variant.
Coding change: c.399G>A on transcript NM_001039.4 (MANE Select); coding-DNA position 399, G replaced by A.
Protein change: p.Glu133=; no amino-acid change (glutamic acid 133 retained).
Molecular consequence: synonymous variant.
Genome position (GRCh38, 1-based): chr16:23,189,452, G>A. VCF-style: chr16-23189452-G-A. GRCh37 (hg19) VCF-style: chr16-23200773-G-A.
Identifiers: ClinVar variation 318346 (VCV000318346.6), dbSNP rs200985912, ClinGen allele CA7959565.